The following is an entry in ClinVar:

ClinVar aggregate classification (germline): Likely benign. Review status: criteria provided, multiple submitters, no conflicts (2 of 4 stars). 2 submissions from 2 submitters: Likely benign (2). Last evaluated 2025-10-26.

Conditions:
Early-infantile DEE. Also called: Ohtahara syndrome; Early infantile epileptic encephalopathy with suppression bursts; Early infantile epileptic encephalopathy. Identifiers: Orphanet 1934, MedGen C0393706, MONDO:0800491.

Allele frequency attached by ClinVar (database versions not stated): TOPMed 0.00002; ESP Exome Variant Server 0.00016; gnomAD 0.00001.
gnomAD v4.1: 31 of 1,609,868 alleles (0.0019%); highest among the groups gnomAD compares: South Asian, 0.015%; no homozygotes.

Submissions (2):

Labcorp Genetics (formerly Invitae), Labcorp
Classification: Likely benign for Early-infantile DEE. Last evaluated: 2025-10-26. Review status: criteria provided, single submitter. Criteria: Invitae Variant Classification Sherloc (09022015). Collection method: clinical testing. Allele origin: germline.

CeGaT Center for Human Genetics Tuebingen
Classification: Likely benign. Last evaluated: 2024-05-01. Review status: criteria provided, single submitter. Criteria: CeGaT Center For Human Genetics Tuebingen Variant Classification Criteria Version 2. Collection method: clinical testing. Allele origin: germline. Affected: yes. Observed: 1 variant allele.
Comment: SCN8A: BP4, BP7

NM_001330260.2(SCN8A):c.4542C>T (p.Ile1514=)

Gene: SCN8A (sodium voltage-gated channel alpha subunit 8; plus strand). Cytogenetic location: 12q13.13.
Variant type: single nucleotide variant.
Coding change: c.4542C>T on transcript NM_001330260.2 (MANE Select); coding-DNA position 4542, C replaced by T.
Protein change: p.Ile1514=; no amino-acid change (isoleucine 1514 retained).
Molecular consequence: synonymous variant.
Genome position (GRCh38, 1-based): chr12:51,794,388, C>T. VCF-style: chr12-51794388-C-T. GRCh37 (hg19) VCF-style: chr12-52188172-C-T.
Other names: c.4419C>T, p.Ile1473= (NM_001177984.3, NM_001369788.1); c.4542C>T, p.Ile1514= (NM_014191.4).
Identifiers: ClinVar variation 309366 (VCV000309366.31), dbSNP rs370105734, ClinGen allele CA6571836.